The following is an entry in ClinVar:

NM_000465.4(BARD1):c.1350dup (p.Gly451fs)

Gene: BARD1 (BRCA1 associated RING domain 1; minus strand). Cytogenetic location: 2q35.
Variant type: Duplication.
Coding change: c.1350dup on transcript NM_000465.4 (MANE Select); coding-DNA position 1350, one base duplicated (T; older notation c.1350dupT).
Protein change: p.Gly451fs; shifts the reading frame from glycine 451.
Molecular consequence: frameshift variant. On other transcripts: non-coding transcript variant (3), intron variant (3).
Genome position (GRCh38, 1-based): chr2:214,769,277, A duplicated on the plus strand (T on the coding strand, the reverse complement: BARD1 is on the minus strand). VCF-style (leftmost placement, unchanged base first): chr2-214769276-C-CA. GRCh37 (hg19) VCF-style: chr2-215634000-C-CA.
Other names: c.1293dup, p.Gly432fs (NM_001282543.2); c.159-16722dup (NM_001282548.2); c.216-16722dup (NM_001282545.2); c.364+23020dup (NM_001282549.2); short protein forms G432fs, G451fs.
Identifiers: ClinVar variation 2711481 (VCV002711481.6), dbSNP rs758278293, ClinGen allele CA2090280.
Genomic context (GRCh38, chr2:214,769,276, plus strand): 5'-AAAACCAGACAACTACCAATGGTGTCCATCCAGCATGGTCTTTAACATTTGGATCACTTC[C>CA]ATTTTGTAAAAGGTATTCAACAGAAGGTATGTCGCCCTAGAAAAATGAACAAAACGGAAA-3'

ClinVar aggregate classification (germline): Pathogenic. Review status: criteria provided, multiple submitters, no conflicts (2 of 4 stars). 2 submissions from 2 submitters: Pathogenic (2). Last evaluated 2024-06-26.

Conditions:
Familial cancer of breast. Also called: Hereditary breast cancer; hereditary breast carcinoma; BREAST CANCER, FAMILIAL. Identifiers: Orphanet 227535, MedGen C0346153, MONDO:0016419, OMIM 114480. Disease mechanism: loss of function.

Allele frequency attached by ClinVar (database versions not stated): ExAC 0.00001.

Submissions (2):

Labcorp Genetics (formerly Invitae), Labcorp
Classification: Pathogenic for Familial cancer of breast. Last evaluated: 2024-06-26. Review status: criteria provided, single submitter. Criteria: Invitae Variant Classification Sherloc (09022015). Collection method: clinical testing. Allele origin: germline.
Comment: This sequence change creates a premature translational stop signal (p.Gly451Trpfs*3) in the BARD1 gene. It is expected to result in an absent or disrupted protein product. Loss-of-function variants in BARD1 are known to be pathogenic (PMID: 20077502, 21344236). This variant is not present in population databases (gnomAD no frequency). This premature translational stop signal has been observed in individual(s) with breast cancer (PMID: 28724667). For these reasons, this variant has been classified as Pathogenic.

Juno Genomics, Hangzhou Juno Genomics, Inc
Classification: Pathogenic for Familial cancer of breast. Review status: criteria provided, single submitter. Criteria: ACMG Guidelines, 2015. Collection method: clinical testing. Allele origin: germline.
Comment: Absent from controls (or at extremely low frequency if recessive) in Genome Aggregation Database.;Null variant in a gene where loss of function (LOF) is a known mechanism of disease.;The prevalence of the variant in affected individuals is significantly increased compared to the prevalence in controls.

Literature cited by the submitters: PubMed 20077502 (cited by Labcorp Genetics (formerly Invitae), Labcorp); PubMed 21344236 (cited by Labcorp Genetics (formerly Invitae), Labcorp); PubMed 28724667 (cited by Labcorp Genetics (formerly Invitae), Labcorp).